The following is an entry in ClinVar:

ClinVar aggregate classification (germline): Uncertain significance. Review status: criteria provided, multiple submitters, no conflicts (2 of 4 stars). 3 submissions from 3 submitters: Uncertain significance (2). 1 of the submissions does not count toward it. Last evaluated 2025-03-07.

Conditions:
Epidermolysis bullosa dystrophica. Also called: Dystrophic epidermolysis bullosa, Hallopeau-Siemens type (formerly); Dystrophic epidermolysis bullosa. Identifiers: Orphanet 303, MedGen C0079294, MONDO:0006543.

Submissions (3):

Dasa
Classification: Uncertain significance. Last evaluated: 2025-03-07. Review status: criteria provided, single submitter. Criteria: DASA Assertion Criteria. Collection method: clinical testing. Allele origin: germline.
Comment: NM_000094.4(COL7A1):c.4519-3C>T is a splice-region variant. This variant is absent from population databases. Computational prediction algorithms are consistent with a benign effect. The currently available literature and clinical evidence are not sufficient to establish a definitive association between this variant and the reported condition. Therefore, this variant is classified as a variant of uncertain significance.

Labcorp Genetics (formerly Invitae), Labcorp
Classification: Uncertain significance. Last evaluated: 2021-09-01. Review status: criteria provided, single submitter. Criteria: Invitae Variant Classification Sherloc (09022015). Collection method: clinical testing. Allele origin: germline.
Comment: This sequence change falls in intron 43 of the COL7A1 gene. It does not directly change the encoded amino acid sequence of the COL7A1 protein. It affects a nucleotide within the consensus splice site of the intron. This variant is not present in population databases (ExAC no frequency). This variant has not been reported in the literature in individuals affected with COL7A1-related conditions. Variants that disrupt the consensus splice site are a relatively common cause of aberrant splicing (PMID: 17576681, 9536098). Algorithms developed to predict the effect of sequence changes on RNA splicing suggest that this variant is not likely to affect RNA splicing. In summary, the available evidence is currently insufficient to determine the role of this variant in disease. Therefore, it has been classified as a Variant of Uncertain Significance.

Natera, Inc.
Classification: Uncertain significance for Dystrophic epidermolysis bullosa. Last evaluated: 2021-10-07. Review status: no assertion criteria provided. Collection method: clinical testing. Allele origin: germline. Not counted in ClinVar's aggregate classification.

Literature cited by the submitters: PubMed 17576681 (cited by Labcorp Genetics (formerly Invitae), Labcorp); PubMed 9536098 (cited by Labcorp Genetics (formerly Invitae), Labcorp).

NM_000094.4(COL7A1):c.4519-3C>T

Gene: COL7A1 (collagen type VII alpha 1 chain; minus strand). Cytogenetic location: 3p21.31.
Variant type: single nucleotide variant.
Coding change: c.4519-3C>T on transcript NM_000094.4 (MANE Select); 3 bases into the intron before coding-DNA position 4519, C replaced by T.
Molecular consequence: intron variant.
Genome position (GRCh38, 1-based): chr3:48,582,656, G>A on the plus strand (C>T on the coding strand, the complement: COL7A1 is on the minus strand). VCF-style: chr3-48582656-G-A. GRCh37 (hg19) VCF-style: chr3-48620089-G-A.
Identifiers: ClinVar variation 1008039 (VCV001008039.5), dbSNP rs2044853178, ClinGen allele CA1363079615.